The following is an entry in ClinVar:

NM_018417.6(ADCY10):c.3326A>G (p.Asn1109Ser)

Gene: ADCY10 (adenylate cyclase 10; minus strand). Cytogenetic location: 1q24.2.
Variant type: single nucleotide variant.
Coding change: c.3326A>G on transcript NM_018417.6 (MANE Select); coding-DNA position 3326, A replaced by G.
Protein change: p.Asn1109Ser; replaces asparagine 1109 with serine.
Molecular consequence: missense variant.
Genome position (GRCh38, 1-based): chr1:167,834,061, T>C on the plus strand (A>G on the coding strand, the complement: ADCY10 is on the minus strand). VCF-style: chr1-167834061-T-C. GRCh37 (hg19) VCF-style: chr1-167803299-T-C.
Other names: c.2867A>G, p.Asn956Ser (NM_001167749.3); c.3050A>G, p.Asn1017Ser (NM_001297772.2); short protein forms N1017S, N1109S, N956S.
Identifiers: ClinVar variation 2783547 (VCV002783547.3), dbSNP rs761897539, ClinGen allele CA1227383.

ClinVar aggregate classification (germline): Uncertain significance (1 of 4 stars; one submission).

Allele frequency attached by ClinVar (database versions not stated): gnomAD exomes below 0.00001; ExAC 0.00001; TOPMed 0.00002.
gnomAD v4.1: 3 of 1,613,940 alleles (0.00019%); highest among the groups gnomAD compares: East Asian, 0.0067%; no homozygotes.

Submission:

Labcorp Genetics (formerly Invitae), Labcorp
Classification: Uncertain significance. Last evaluated: 2024-06-03. Review status: criteria provided, single submitter. Criteria: Invitae Variant Classification Sherloc (09022015). Collection method: clinical testing. Allele origin: germline.
Comment: This sequence change replaces asparagine, which is neutral and polar, with serine, which is neutral and polar, at codon 1109 of the ADCY10 protein (p.Asn1109Ser). This variant is present in population databases (rs761897539, gnomAD 0.02%). This variant has not been reported in the literature in individuals affected with ADCY10-related conditions. An algorithm developed to predict the effect of missense changes on protein structure and function (PolyPhen-2) suggests that this variant is likely to be tolerated. In summary, the available evidence is currently insufficient to determine the role of this variant in disease. Therefore, it has been classified as a Variant of Uncertain Significance.